The following is an entry in ClinVar:

NM_015450.3(POT1):c.1602dup (p.Ile535fs)

Gene: POT1 (protection of telomeres 1; minus strand). Cytogenetic location: 7q31.33.
Variant type: Duplication.
Coding change: c.1602dup on transcript NM_015450.3 (MANE Select); coding-DNA position 1602, one base duplicated (T; older notation c.1602dupT).
Protein change: p.Ile535fs; shifts the reading frame from isoleucine 535.
Molecular consequence: frameshift variant. On other transcripts: non-coding transcript variant (3).
Genome position (GRCh38, 1-based): chr7:124,827,298, A duplicated on the plus strand (T on the coding strand, the reverse complement: POT1 is on the minus strand). VCF-style (leftmost placement, unchanged base first): chr7-124827297-T-TA. GRCh37 (hg19) VCF-style: chr7-124467351-T-TA.
Other names: c.1209dup, p.Ile404fs (NM_001042594.2); short protein forms I535fs, I404fs.
Identifiers: ClinVar variation 3936308 (VCV003936308.1).
Genomic context (GRCh38, chr7:124,827,297, plus strand): 5'-GTACTCCTGTTCCATCATCAAGTGTAAAGGTCATAACAAACACATATTGGAGGGGTACAA[T>TA]ACCCAGTGCTAGTGAAGGAAAAAAAGATCAAACCATATGAGTCTGCTATTCCTTATTATC-3'

ClinVar aggregate classification (germline): Pathogenic (1 of 4 stars; one submission).

Conditions:
Hereditary cancer-predisposing syndrome. Also called: Tumor predisposition; Hereditary neoplastic syndrome; Hereditary Cancer Syndrome; Neoplastic Syndromes, Hereditary. Identifiers: Orphanet 140162, MedGen C0027672, MeSH D009386, MONDO:0015356.

Submission:

Ambry Genetics
Classification: Pathogenic for Hereditary cancer-predisposing syndrome. Last evaluated: 2025-06-12. Review status: criteria provided, single submitter. Criteria: Ambry Variant Classification Scheme 2023. Collection method: clinical testing. Allele origin: germline.
Comment: The c.1602dupT pathogenic mutation, located in coding exon 13 of the POT1 gene, results from a duplication of T at nucleotide position 1602, causing a translational frameshift with a predicted alternate stop codon (p.I535Yfs*15). This variant is considered to be rare based on population cohorts in the Genome Aggregation Database (gnomAD). This alteration is expected to result in loss of function by premature protein truncation or nonsense-mediated mRNA decay. As such, this alteration is interpreted as a disease-causing mutation.